The following is an entry in ClinVar:

ClinVar aggregate classification (germline): Uncertain significance (1 of 4 stars; one submission).

Conditions:
Hereditary cancer-predisposing syndrome. Also called: Neoplastic Syndromes, Hereditary; Hereditary Cancer Syndrome; Hereditary neoplastic syndrome; Tumor predisposition. Identifiers: Orphanet 140162, MedGen C0027672, MeSH D009386, MONDO:0015356.

Submission:

Labcorp Genetics (formerly Invitae), Labcorp
Classification: Uncertain significance for Hereditary cancer-predisposing syndrome. Last evaluated: 2022-03-11. Review status: criteria provided, single submitter. Criteria: Invitae Variant Classification Sherloc (09022015). Collection method: clinical testing. Allele origin: germline.
Comment: This variant has not been reported in the literature in individuals affected with RAD50-related conditions. This variant is not present in population databases (gnomAD no frequency). This sequence change replaces lysine, which is basic and polar, with glutamic acid, which is acidic and polar, at codon 122 of the RAD50 protein (p.Lys122Glu). Algorithms developed to predict the effect of missense changes on protein structure and function (SIFT, PolyPhen-2, Align-GVGD) all suggest that this variant is likely to be tolerated. In summary, the available evidence is currently insufficient to determine the role of this variant in disease. Therefore, it has been classified as a Variant of Uncertain Significance. Algorithms developed to predict the effect of sequence changes on RNA splicing suggest that this variant may create or strengthen a splice site.

NM_005732.4(RAD50):c.364A>G (p.Lys122Glu)

Gene: RAD50 (RAD50 double strand break repair protein; plus strand). Cytogenetic location: 5q31.1.
Variant type: single nucleotide variant.
Coding change: c.364A>G on transcript NM_005732.4 (MANE Select); coding-DNA position 364, A replaced by G.
Protein change: p.Lys122Glu; replaces lysine 122 with glutamic acid.
Molecular consequence: missense variant.
Genome position (GRCh38, 1-based): chr5:132,575,927, A>G. VCF-style: chr5-132575927-A-G. GRCh37 (hg19) VCF-style: chr5-131911619-A-G.
Other names: short protein forms K122E.
Identifiers: ClinVar variation 2109010 (VCV002109010.4), dbSNP rs2479608548, ClinGen allele CA360931509.